The following is an entry in ClinVar:

ClinVar aggregate classification (germline): Uncertain significance (1 of 4 stars; one submission).

Conditions:
CREBBP-related disorder. Also called: CREBBP-related disorders; CREBBP-related condition.

gnomAD v4.1: 4 of 1,614,254 alleles (0.00025%); highest among the groups gnomAD compares: Non-Finnish European, 0.00034%; no homozygotes.

Submission:

PreventionGenetics, part of Exact Sciences
Classification: Uncertain significance for CREBBP-related condition. Last evaluated: 2024-10-17. Review status: criteria provided, single submitter. Criteria: ACMG Guidelines, 2015. Collection method: clinical testing. Allele origin: germline.
Comment: The CREBBP c.683C>G variant is predicted to result in the amino acid substitution p.Thr228Ser. To our knowledge, this variant has not been reported in the literature or in a large population database (gnomAD), indicating this variant is rare. At this time, the clinical significance of this variant is uncertain due to the absence of conclusive functional and genetic evidence.

NM_004380.3(CREBBP):c.683C>G (p.Thr228Ser)

Gene: CREBBP (CREB binding lysine acetyltransferase; minus strand). Cytogenetic location: 16p13.3.
Variant type: single nucleotide variant.
Coding change: c.683C>G on transcript NM_004380.3 (MANE Select); coding-DNA position 683, C replaced by G.
Protein change: p.Thr228Ser; replaces threonine 228 with serine.
Molecular consequence: missense variant.
Genome position (GRCh38, 1-based): chr16:3,850,412, G>C on the plus strand (C>G on the coding strand, the complement: CREBBP is on the minus strand). VCF-style: chr16-3850412-G-C. GRCh37 (hg19) VCF-style: chr16-3900413-G-C.
Other names: c.683C>G, p.Thr228Ser (NM_001079846.1); short protein forms T228S.
Identifiers: ClinVar variation 5001585 (VCV005001585.1).
Genomic context (GRCh38, chr16:3,850,412, plus strand): 5'-GGGGAAACCTGCGTTAGGGTCTCAGCCAGCACGCTGCTCGAGGCGCCCTGCATGGCTGGA[G>C]TAGGGTACGGCATTCCAGCTCCCCTTCCTCTGCCAGCAGCCCCAAGAGATCCATTCATGA-3'
Protein context (NP_004371.2, residues 218-238): RGRGAGMPYP[Thr228Ser]PAMQGASSSV